The following is an entry in ClinVar:

ClinVar aggregate classification (germline): Pathogenic (1 of 4 stars; one submission).

Conditions:
Primary hyperoxaluria, type II (HP2). Also called: D-GLYCERATE DEHYDROGENASE DEFICIENCY; GLYCERIC ACIDURIA; GLYOXYLATE REDUCTASE/HYDROXYPYRUVATE REDUCTASE DEFICIENCY; OXALOSIS II; Primary hyperoxaluria type 2. Identifiers: Orphanet 416, Orphanet 93599, MedGen C0268165, MONDO:0009824, OMIM 260000. Disease mechanism: loss of function.

Submission:

Myriad Genetics, Inc.
Classification: Pathogenic for Primary hyperoxaluria, type II. Last evaluated: 2023-09-27. Review status: criteria provided, single submitter. Criteria: Myriad Autosomal Dominant, Autosomal Recessive and X-Linked Classification Criteria (2023). Collection method: clinical testing. Allele origin: unknown.
Comment: NM_012203.1(GRHPR):c.494_495ins13(Q166Lfs*29) is expected to be pathogenic in the context of primary hyperoxaluria type 2. This variant is predicted to lead to an abnormal or absent protein product due to the creation of a premature termination codon in GRHPR, a gene where loss-of-function variants are known to be pathogenic. Please note: this variant was assessed in the context of healthy population screening.

NM_012203.2(GRHPR):c.494_495insACTGTCTCTTATA (p.Gln166fs)

Gene: GRHPR (glyoxylate and hydroxypyruvate reductase; plus strand). Cytogenetic location: 9p13.2.
Variant type: Insertion.
Coding change: c.494_495insACTGTCTCTTATA on transcript NM_012203.2 (MANE Select); coding-DNA positions 494 to 495, ACTGTCTCTTATA inserted.
Protein change: p.Gln166fs; shifts the reading frame from glutamine 166.
Molecular consequence: frameshift variant.
Genome position: GRCh38 VCF-style: chr9-37429732-G-GACTGTCTCTTATA. GRCh37 (hg19) VCF-style: chr9-37429729-G-GACTGTCTCTTATA.
Other names: short protein forms Q166fs.
Identifiers: ClinVar variation 5011741 (VCV005011741.1).